The following is an entry in ClinVar:

NM_000808.4(GABRA3):c.869T>C (p.Val290Ala)

Gene: GABRA3 (gamma-aminobutyric acid type A receptor subunit alpha3; minus strand). Cytogenetic location: Xq28.
Variant type: single nucleotide variant.
Coding change: c.869T>C on transcript NM_000808.4 (MANE Select); coding-DNA position 869, T replaced by C.
Protein change: p.Val290Ala; replaces valine 290 with alanine.
Molecular consequence: missense variant.
Genome position (GRCh38, 1-based): chrX:152,197,695, A>G on the plus strand (T>C on the coding strand, the complement: GABRA3 is on the minus strand). VCF-style: chrX-152197695-A-G. GRCh37 (hg19) VCF-style: chrX-151366167-A-G.
Other names: short protein forms V290A.
Identifiers: ClinVar variation 4532373 (VCV004532373.1).

ClinVar aggregate classification (germline): Uncertain significance (1 of 4 stars; one submission).

Submission:

GeneDx
Classification: Uncertain significance. Last evaluated: 2023-09-12. Review status: criteria provided, single submitter. Criteria: GeneDx Variant Classification Process June 2021. Collection method: clinical testing. Allele origin: germline. Affected: yes.
Comment: Not observed at significant frequency in large population cohorts (gnomAD); In silico analysis supports that this missense variant has a deleterious effect on protein structure/function; Has not been previously published as pathogenic or benign to our knowledge; Variants in candidate genes are classified as variants of uncertain significance in accordance with ACMG guidelines (PMID: 25741868)